The following is an entry in ClinVar:

NM_001126108.2(SLC12A3):c.2420-80G>T

Gene: SLC12A3 (solute carrier family 12 member 3; plus strand). Cytogenetic location: 16q13.
Variant type: single nucleotide variant.
Coding change: c.2420-80G>T on transcript NM_001126108.2 (MANE Select); 80 bases into the intron before coding-DNA position 2420, G replaced by T.
Molecular consequence: intron variant.
Genome position (GRCh38, 1-based): chr16:56,892,873, G>T. VCF-style: chr16-56892873-G-T. GRCh37 (hg19) VCF-style: chr16-56926785-G-T.
Other names: c.2447-80G>T (NM_000339.3); c.2444-80G>T (NM_001126107.2); c.2417-80G>T (NM_001410896.1).
Identifiers: ClinVar variation 3248533 (VCV003248533.1), dbSNP rs1420451236.

ClinVar aggregate classification (germline): Uncertain significance (1 of 4 stars; one submission).

Conditions:
Familial hypokalemia-hypomagnesemia (GTLMNS). Also called: HYPOMAGNESEMIA-HYPOKALEMIA, PRIMARY RENOTUBULAR, WITH HYPOCALCIURIA; POTASSIUM AND MAGNESIUM DEPLETION; gitelman syndrome. Identifiers: Orphanet 358, MedGen C0268450, MONDO:0009904, OMIM 263800.

Submission:

MVZ Medizinische Genetik Mainz
Classification: Uncertain significance for Familial hypokalemia-hypomagnesemia. Last evaluated: 2024-05-24. Review status: criteria provided, single submitter. Criteria: UK Practice Guidelines For Variant Classification V4 01 2020. Collection method: clinical testing. Allele origin: germline. Inheritance: Autosomal recessive inheritance. Affected: yes. Observed: 1 variant allele.
Comment: ACMG Criteria: PM2_SUP,PP3